The following is an entry in ClinVar:

ClinVar aggregate classification (germline): Conflicting classifications of pathogenicity. Review status: criteria provided, conflicting classifications (1 of 4 stars). 3 submissions from 3 submitters: Uncertain significance (2); Likely benign (1). Last evaluated 2026-03-10.

Conditions:
SCN11A-related disorder. Also called: SCN11A-related condition.
Inborn genetic diseases. Identifiers: MedGen C0950123, MeSH D030342.
Hereditary sensory and autonomic neuropathy type 7. Also called: Neuropathy, hereditary sensory and autonomic, type VII; HSAN VII. Identifiers: Orphanet 391397, MedGen C3809882, MONDO:0014244, OMIM 615548.
Familial episodic pain syndrome with predominantly lower limb involvement. Also called: Episodic pain syndrome, familial, 3. Identifiers: Orphanet 391384, Orphanet 391392, MedGen C3809899, MONDO:0014247, OMIM 615552.

Allele frequency attached by ClinVar (database versions not stated): gnomAD exomes 0.00001 and 0.00004; gnomAD 0.00003 and 0.00004; TOPMed 0.00005.
gnomAD v4.1: 67 of 1,612,766 alleles (0.0042%); highest among the groups gnomAD compares: Non-Finnish European, 0.0056%; no homozygotes.

Submissions (3):

PreventionGenetics, part of Exact Sciences
Classification: Uncertain significance for SCN11A-related condition. Last evaluated: 2026-03-10. Review status: criteria provided, single submitter. Criteria: ACMG Guidelines, 2015. Collection method: clinical testing. Allele origin: germline.
Comment: The SCN11A c.970A>G variant is predicted to result in the amino acid substitution p.Ile324Val. To our knowledge, this variant has not been reported in the literature. This variant is reported in 0.0031% of alleles in individuals of European (non-Finnish) descent in gnomAD. At this time, the clinical significance of this variant is uncertain due to the absence of conclusive functional and genetic evidence.

Labcorp Genetics (formerly Invitae), Labcorp
Classification: Likely benign for Familial episodic pain syndrome with predominantly lower limb involvement; Hereditary sensory and autonomic neuropathy type 7. Last evaluated: 2025-04-18. Review status: criteria provided, single submitter. Criteria: Invitae Variant Classification Sherloc (09022015). Collection method: clinical testing. Allele origin: germline.

Ambry Genetics
Classification: Uncertain significance for Inborn genetic diseases. Last evaluated: 2025-03-20. Review status: criteria provided, single submitter. Criteria: Ambry Variant Classification Scheme 2023. Collection method: clinical testing. Allele origin: germline.

NM_001349253.2(SCN11A):c.970A>G (p.Ile324Val)

Gene: SCN11A (sodium voltage-gated channel alpha subunit 11; minus strand). Cytogenetic location: 3p22.2.
Variant type: single nucleotide variant.
Coding change: c.970A>G on transcript NM_001349253.2 (MANE Select); coding-DNA position 970, A replaced by G.
Protein change: p.Ile324Val; replaces isoleucine 324 with valine.
Molecular consequence: missense variant.
Genome position (GRCh38, 1-based): chr3:38,910,197, T>C on the plus strand (A>G on the coding strand, the complement: SCN11A is on the minus strand). VCF-style: chr3-38910197-T-C. GRCh37 (hg19) VCF-style: chr3-38951688-T-C.
Other names: c.970A>G, p.Ile324Val (NM_014139.3); short protein forms I324V.
Identifiers: ClinVar variation 1542161 (VCV001542161.12), dbSNP rs1006611330, ClinGen allele CA72964696.